The following is an entry in ClinVar:

NM_001286.5(CLCN6):c.714G>C (p.Lys238Asn)

Gene: CLCN6 (chloride voltage-gated channel 6; plus strand). Cytogenetic location: 1p36.22.
Variant type: single nucleotide variant.
Coding change: c.714G>C on transcript NM_001286.5 (MANE Select); coding-DNA position 714, G replaced by C.
Protein change: p.Lys238Asn; replaces lysine 238 with asparagine.
Molecular consequence: missense variant.
Genome position (GRCh38, 1-based): chr1:11,827,095, G>C. VCF-style: chr1-11827095-G-C. GRCh37 (hg19) VCF-style: chr1-11887152-G-C.
Other names: c.648G>C, p.Lys216Asn (NM_001256959.2); short protein forms K238N, K216N.
Identifiers: ClinVar variation 4750863 (VCV004750863.1).

ClinVar aggregate classification (germline): Uncertain significance (1 of 4 stars; one submission).

gnomAD v4.1: 1 of 1,613,868 alleles (0.000062%); highest among the groups gnomAD compares: African/African-American, 0.0013%; no homozygotes.

Submission:

Labcorp Genetics (formerly Invitae), Labcorp
Classification: Uncertain significance. Last evaluated: 2025-07-14. Review status: criteria provided, single submitter. Criteria: Invitae Variant Classification Sherloc (09022015). Collection method: clinical testing. Allele origin: germline.
Comment: This sequence change replaces lysine, which is basic and polar, with asparagine, which is neutral and polar, at codon 238 of the CLCN6 protein (p.Lys238Asn). This variant is not present in population databases (gnomAD no frequency). This variant has not been reported in the literature in individuals affected with CLCN6-related conditions. An algorithm developed to predict the effect of missense changes on protein structure and function (PolyPhen-2) suggests that this variant is likely to be disruptive. In summary, the available evidence is currently insufficient to determine the role of this variant in disease. Therefore, it has been classified as a Variant of Uncertain Significance.